The following is an entry in ClinVar:

ClinVar aggregate classification (germline): Conflicting classifications of pathogenicity. Review status: criteria provided, conflicting classifications (1 of 4 stars). 2 submissions from 2 submitters: Uncertain significance (1); Likely benign (1). Last evaluated 2025-10-14.

Allele frequency attached by ClinVar (database versions not stated): ExAC 0.00001; gnomAD 0.00005; TOPMed 0.00007.
gnomAD v4.1: 24 of 1,613,910 alleles (0.0015%); highest among the groups gnomAD compares: African/African-American, 0.015%; no homozygotes.

Submissions (2):

Labcorp Genetics (formerly Invitae), Labcorp
Classification: Uncertain significance. Last evaluated: 2025-10-14. Review status: criteria provided, single submitter. Criteria: Invitae Variant Classification Sherloc (09022015). Collection method: clinical testing. Allele origin: germline.
Comment: This sequence change replaces aspartic acid, which is acidic and polar, with asparagine, which is neutral and polar, at codon 743 of the RFWD3 protein (p.Asp743Asn). This variant is present in population databases (rs775043994, gnomAD 0.02%). This variant has not been reported in the literature in individuals affected with RFWD3-related conditions. ClinVar contains an entry for this variant (Variation ID: 2084575). An algorithm developed to predict the effect of missense changes on protein structure and function outputs the following: PolyPhen-2: "Benign". The asparagine amino acid residue is found in multiple mammalian species, which suggests that this missense change does not adversely affect protein function. In summary, the available evidence is currently insufficient to determine the role of this variant in disease. Therefore, it has been classified as a Variant of Uncertain Significance.

Ambry Genetics
Classification: Likely benign. Last evaluated: 2024-11-13. Review status: criteria provided, single submitter. Criteria: Ambry Variant Classification Scheme 2023. Collection method: clinical testing. Allele origin: germline.

NM_018124.4(RFWD3):c.2227G>A (p.Asp743Asn)

Gene: RFWD3 (ring finger and WD repeat domain 3; minus strand). Cytogenetic location: 16q23.1.
Variant type: single nucleotide variant.
Coding change: c.2227G>A on transcript NM_018124.4 (MANE Select); coding-DNA position 2227, G replaced by A.
Protein change: p.Asp743Asn; replaces aspartic acid 743 with asparagine.
Molecular consequence: missense variant.
Genome position (GRCh38, 1-based): chr16:74,624,026, C>T on the plus strand (G>A on the coding strand, the complement: RFWD3 is on the minus strand). VCF-style: chr16-74624026-C-T. GRCh37 (hg19) VCF-style: chr16-74657924-C-T.
Other names: c.2227G>A (NM_018124.3); c.2227G>A, p.Asp743Asn (NM_001370534.1, NM_001370535.1); c.2050G>A, p.Asp684Asn (NM_001370536.1); c.1393G>A, p.Asp465Asn (NM_001370537.1, NM_001370539.1, NM_001370540.1 and 3 more transcripts); short protein forms D743N, D465N, D684N.
Identifiers: ClinVar variation 2084575 (VCV002084575.5), dbSNP rs775043994, ClinGen allele CA8168939.